The following is an entry in ClinVar:

NM_030665.4(RAI1):c.1886_1887insCCAATGGGCTGAAGC (p.Ala629_Pro630insGlnTrpAlaGluAla)

Gene: RAI1 (retinoic acid induced 1; plus strand). Cytogenetic location: 17p11.2.
Variant type: Insertion.
Coding change: c.1886_1887insCCAATGGGCTGAAGC on transcript NM_030665.4 (MANE Select); coding-DNA positions 1886 to 1887, CCAATGGGCTGAAGC inserted.
Protein change: p.Ala629_Pro630insGlnTrpAlaGluAla.
Molecular consequence: inframe insertion.
Genome position: GRCh38 VCF-style: chr17-17794823-T-TTGGGCTGAAGCCCAA. GRCh37 (hg19) VCF-style: chr17-17698137-T-TTGGGCTGAAGCCCAA.
Other names: c.1886_1887insCCAATGGGCTGAAGC (NM_030665.3).
Identifiers: ClinVar variation 2698895 (VCV002698895.4), dbSNP rs2508578377, ClinGen allele CA2697559438.

ClinVar aggregate classification (germline): Uncertain significance. Review status: criteria provided, multiple submitters, no conflicts (2 of 4 stars). 2 submissions from 2 submitters: Uncertain significance (2). Last evaluated 2025-05-01.

Submissions (2):

GeneDx
Classification: Uncertain significance. Last evaluated: 2025-05-01. Review status: criteria provided, single submitter. Criteria: GeneDx Variant Classification Process June 2021. Collection method: clinical testing. Allele origin: germline. Affected: yes.
Comment: Not observed at significant frequency in large population cohorts (gnomAD); In-frame insertion of five amino acid(s) in a non-repeat region; Has not been previously published as pathogenic or benign to our knowledge

Labcorp Genetics (formerly Invitae), Labcorp
Classification: Uncertain significance. Last evaluated: 2023-06-07. Review status: criteria provided, single submitter. Criteria: Invitae Variant Classification Sherloc (09022015). Collection method: clinical testing. Allele origin: germline.
Comment: This variant has not been reported in the literature in individuals affected with RAI1-related conditions. In summary, the available evidence is currently insufficient to determine the role of this variant in disease. Therefore, it has been classified as a Variant of Uncertain Significance. This variant is not present in population databases (gnomAD no frequency). This variant, c.1886_1887insCCAATGGGCTGAAGC, results in the insertion of 5 amino acid(s) of the RAI1 protein (p.Ala629_Pro630insGlnTrpAlaGluAla), but otherwise preserves the integrity of the reading frame.